The following is an entry in ClinVar:

NM_001082486.2(ACD):c.1295T>C (p.Val432Ala)

Gene: ACD (ACD shelterin complex subunit and telomerase recruitment factor; minus strand). Cytogenetic location: 16q22.1.
Variant type: single nucleotide variant.
Coding change: c.1295T>C on transcript NM_001082486.2 (MANE Select); coding-DNA position 1295, T replaced by C.
Protein change: p.Val432Ala; replaces valine 432 with alanine.
Molecular consequence: missense variant.
Genome position (GRCh38, 1-based): chr16:67,657,765, A>G on the plus strand (T>C on the coding strand, the complement: ACD is on the minus strand). VCF-style: chr16-67657765-A-G. GRCh37 (hg19) VCF-style: chr16-67691668-A-G.
Other names: p.Val432Ala; c.1286T>C, p.Val429Ala (NM_022914.3); short protein forms V429A, V432A.
Identifiers: ClinVar variation 1167321 (VCV001167321.20), dbSNP rs6979, ClinGen allele CA8114380.

ClinVar aggregate classification (germline): Benign. Review status: criteria provided, multiple submitters, no conflicts (2 of 4 stars). 8 submissions from 8 submitters: Benign (8). Last evaluated 2026-02-04.

Conditions:
Dyskeratosis congenita, autosomal dominant 6 (DKCA6). Identifiers: Orphanet 3322, MedGen C4225284, MONDO:0014690, OMIM 616553.

Allele frequency attached by ClinVar (database versions not stated): gnomAD exomes 0.48547 and 0.50116; ExAC 0.51552; 1000 Genomes Project 0.57149; 1000 Genomes Project 30x 0.57995; gnomAD 0.59619 and 0.60624; TOPMed 0.60142; ESP Exome Variant Server 0.62281.

Submissions (8):

Labcorp Genetics (formerly Invitae), Labcorp
Classification: Benign for Dyskeratosis congenita, autosomal dominant 6. Last evaluated: 2026-02-04. Review status: criteria provided, single submitter. Criteria: Invitae Variant Classification Sherloc (09022015). Collection method: clinical testing. Allele origin: germline.

ARUP Laboratories, Molecular Genetics and Genomics, ARUP Laboratories
Classification: Benign. Last evaluated: 2025-07-28. Review status: criteria provided, single submitter. Criteria: ARUP Molecular Germline Variant Investigation Process 2024. Collection method: clinical testing. Allele origin: germline.

Blueprint Genetics
Classification: Benign. Last evaluated: 2024-11-27. Review status: criteria provided, single submitter. Criteria: ACMG Guidelines, 2015. Collection method: clinical testing. Allele origin: germline.

Unidad de Genómica Garrahan, Hospital de Pediatría Garrahan
Classification: Benign. Last evaluated: 2024-01-24. Review status: criteria provided, single submitter. Criteria: ACMG Guidelines, 2015. Collection method: clinical testing. Allele origin: germline. Affected: no. Observed: 65 variant alleles.
Comment: This variant is classified as Benign based on local population frequency. This variant was detected in 68% of patients studied by a panel of primary immunodeficiencies. Number of patients: 65. Only high quality variants are reported.

Mayo Clinic Laboratories, Mayo Clinic
Classification: Benign. Last evaluated: 2022-09-06. Review status: criteria provided, single submitter. Criteria: ACMG Guidelines, 2015. Collection method: clinical testing. Allele origin: germline. Observed: 282 variant alleles.

Genome-Nilou Lab
Classification: Benign for Dyskeratosis congenita, autosomal dominant 6. Last evaluated: 2021-12-05. Review status: criteria provided, single submitter. Criteria: ACMG Guidelines, 2015. Collection method: clinical testing. Allele origin: germline. Affected: no.

GeneDx
Classification: Benign. Last evaluated: 2018-11-10. Review status: criteria provided, single submitter. Criteria: GeneDx Variant Classification Process June 2021. Collection method: clinical testing. Allele origin: germline. Affected: yes.

Breakthrough Genomics
Classification: Benign. Review status: criteria provided, single submitter. Criteria: ACMG Guidelines, 2015. Collection method: not provided. Allele origin: germline. Inheritance: Autosomal dominant inheritance. Affected: yes.